The following is an entry in ClinVar:

ClinVar aggregate classification (germline): Uncertain significance (1 of 4 stars; one submission).

Submission:

Labcorp Genetics (formerly Invitae), Labcorp
Classification: Uncertain significance. Last evaluated: 2022-04-17. Review status: criteria provided, single submitter. Criteria: Invitae Variant Classification Sherloc (09022015). Collection method: clinical testing. Allele origin: germline.
Comment: This variant is not present in population databases (gnomAD no frequency). This variant has not been reported in the literature in individuals affected with PHYH-related conditions. Algorithms developed to predict the effect of missense changes on protein structure and function are either unavailable or do not agree on the potential impact of this missense change (SIFT: "Deleterious"; PolyPhen-2: "Benign"; Align-GVGD: "Class C0"). In summary, the available evidence is currently insufficient to determine the role of this variant in disease. Therefore, it has been classified as a Variant of Uncertain Significance. This sequence change replaces glutamine, which is neutral and polar, with leucine, which is neutral and non-polar, at codon 272 of the PHYH protein (p.Gln272Leu).

NM_006214.4(PHYH):c.815A>T (p.Gln272Leu)

Gene: PHYH (phytanoyl-CoA 2-hydroxylase; minus strand). Cytogenetic location: 10p13.
Variant type: single nucleotide variant.
Coding change: c.815A>T on transcript NM_006214.4 (MANE Select); coding-DNA position 815, A replaced by T.
Protein change: p.Gln272Leu; replaces glutamine 272 with leucine.
Molecular consequence: missense variant.
Genome position (GRCh38, 1-based): chr10:13,283,703, T>A on the plus strand (A>T on the coding strand, the complement: PHYH is on the minus strand). VCF-style: chr10-13283703-T-A. GRCh37 (hg19) VCF-style: chr10-13325703-T-A.
Other names: c.515A>T, p.Gln172Leu (NM_001037537.2, NM_001323080.2); c.821A>T, p.Gln274Leu (NM_001323082.2); c.551A>T, p.Gln184Leu (NM_001323083.2); c.521A>T, p.Gln174Leu (NM_001323084.2); short protein forms Q272L, Q274L, Q174L, Q172L, Q184L.
Identifiers: ClinVar variation 1359479 (VCV001359479.8), dbSNP rs2131634437, ClinGen allele CA376034062.
Genomic context (GRCh38, chr10:13,283,703, plus strand): 5'-TTTCTAACCCACACTTCTGCAGCAGGTGCAGCAATGTGAATGCTTACCTTCCGGAATCCC[T>A]GGGTTTTATTCTGACCAGATCCGTGGATGAGCAAAGGATGGAAGAAAACAGTGTCGCCCT-3'
Protein context (NP_006205.1, residues 262-282): LIHGSGQNKT[Gln272Leu]GFRKAISCHF